The following is an entry in ClinVar:

NM_002485.5(NBN):c.1799A>G (p.Asn600Ser)

Gene: NBN (nibrin; minus strand). Cytogenetic location: 8q21.3.
Variant type: single nucleotide variant.
Coding change: c.1799A>G on transcript NM_002485.5 (MANE Select); coding-DNA position 1799, A replaced by G.
Protein change: p.Asn600Ser; replaces asparagine 600 with serine.
Molecular consequence: missense variant.
Genome position (GRCh38, 1-based): chr8:89,953,290, T>C on the plus strand (A>G on the coding strand, the complement: NBN is on the minus strand). VCF-style: chr8-89953290-T-C. GRCh37 (hg19) VCF-style: chr8-90965518-T-C.
Other names: c.1553A>G, p.Asn518Ser (NM_001024688.3); short protein forms N518S, N600S.
Identifiers: ClinVar variation 1780305 (VCV001780305.5), dbSNP rs2488228948, ClinGen allele CA371655065.
Genomic context (GRCh38, chr8:89,953,290, plus strand): 5'-AAAATGTTACTTACAGATATTTTGCTACTTTCTGGTACTGCTTCATCACTGAAAGTGTCA[T>C]TTGTTTCTATATCCATCCTTGGCCTTTTTCTAACATTGACATCTTCCTCCTGTTTTTGAA-3'
Protein context (NP_002476.2, residues 590-610): RKRPRMDIET[Asn600Ser]DTFSDEAVPE

ClinVar aggregate classification (germline): Uncertain significance. Review status: criteria provided, multiple submitters, no conflicts (2 of 4 stars). 2 submissions from 2 submitters: Uncertain significance (2). Last evaluated 2024-10-21.

Conditions:
Hereditary cancer-predisposing syndrome. Also called: Tumor predisposition; Neoplastic Syndromes, Hereditary; Hereditary Cancer Syndrome; Hereditary neoplastic syndrome. Identifiers: Orphanet 140162, MedGen C0027672, MeSH D009386, MONDO:0015356.
Microcephaly, normal intelligence and immunodeficiency (NBS). Also called: IMMUNODEFICIENCY, MICROCEPHALY, AND CHROMOSOMAL INSTABILITY; SEEMANOVA SYNDROME II; Nijmegen breakage syndrome; Microcephaly with normal intelligence immunodeficiency and lymphoreticular malignancies; Nonsyndromal microcephaly autosomal recessive with normal intelligence; Seemanova syndrome 2. Identifiers: Orphanet 647, MedGen C0398791, MONDO:0009623, OMIM 251260.

Allele frequency attached by ClinVar (database versions not stated): gnomAD exomes below 0.00001.
gnomAD v4.1: 1 of 1,613,272 alleles (0.000062%); highest among the groups gnomAD compares: Non-Finnish European, 0.000085%; no homozygotes.

Submissions (2):

Labcorp Genetics (formerly Invitae), Labcorp
Classification: Uncertain significance for Microcephaly, normal intelligence and immunodeficiency. Last evaluated: 2024-10-21. Review status: criteria provided, single submitter. Criteria: Invitae Variant Classification Sherloc (09022015). Collection method: clinical testing. Allele origin: germline.
Comment: This sequence change replaces asparagine, which is neutral and polar, with serine, which is neutral and polar, at codon 600 of the NBN protein (p.Asn600Ser). This variant is not present in population databases (gnomAD no frequency). This variant has not been reported in the literature in individuals affected with NBN-related conditions. ClinVar contains an entry for this variant (Variation ID: 1780305). An algorithm developed to predict the effect of missense changes on protein structure and function outputs the following: PolyPhen-2: "Benign". The serine amino acid residue is found in multiple mammalian species, which suggests that this missense change does not adversely affect protein function. In summary, the available evidence is currently insufficient to determine the role of this variant in disease. Therefore, it has been classified as a Variant of Uncertain Significance.

Ambry Genetics
Classification: Uncertain significance for Hereditary cancer-predisposing syndrome. Last evaluated: 2021-05-25. Review status: criteria provided, single submitter. Criteria: Ambry Variant Classification Scheme 2023. Collection method: clinical testing. Allele origin: germline.
Comment: The p.N600S variant (also known as c.1799A>G), located in coding exon 11 of the NBN gene, results from an A to G substitution at nucleotide position 1799. The asparagine at codon 600 is replaced by serine, an amino acid with highly similar properties. This amino acid position is well conserved in available vertebrate species. In addition, this alteration is predicted to be tolerated by in silico analysis. Since supporting evidence is limited at this time, the clinical significance of this alteration remains unclear.